The following is an entry in ClinVar:

ClinVar aggregate classification (germline): Uncertain significance (1 of 4 stars; one submission).

Conditions:
Hereditary cancer-predisposing syndrome. Also called: Tumor predisposition; Hereditary Cancer Syndrome; Hereditary neoplastic syndrome; Neoplastic Syndromes, Hereditary. Identifiers: Orphanet 140162, MedGen C0027672, MeSH D009386, MONDO:0015356.

Submission:

Ambry Genetics
Classification: Uncertain significance for Hereditary cancer-predisposing syndrome. Last evaluated: 2022-11-16. Review status: criteria provided, single submitter. Criteria: Ambry Variant Classification Scheme 2023. Collection method: clinical testing. Allele origin: germline.
Comment: The p.I2185V variant (also known as c.6553A>G), located in coding exon 44 of the ATM gene, results from an A to G substitution at nucleotide position 6553. The isoleucine at codon 2185 is replaced by valine, an amino acid with highly similar properties. This amino acid position is conserved. In addition, this alteration is predicted to be tolerated by in silico analysis. Since supporting evidence is limited at this time, the clinical significance of this alteration remains unclear.

NM_000051.4(ATM):c.6553A>G (p.Ile2185Val)

Genes: ATM (ATM serine/threonine kinase; plus strand), C11orf65 (chromosome 11 open reading frame 65; minus strand). Cytogenetic location: 11q22.3.
Variant type: single nucleotide variant.
Coding change: c.6553A>G on transcript NM_000051.4 (MANE Select); coding-DNA position 6553, A replaced by G.
Protein change: p.Ile2185Val; replaces isoleucine 2185 with valine.
Molecular consequence: missense variant. On other transcripts: intron variant (2).
Genome position (GRCh38, 1-based): chr11:108,321,401, A>G. VCF-style: chr11-108321401-A-G. GRCh37 (hg19) VCF-style: chr11-108192128-A-G.
Other names: c.6553A>G, p.Ile2185Val (NM_001351834.2); c.641-12330T>C (NM_001330368.2); c.*39-12330T>C (NM_001351110.2); short protein forms I2185V.
Identifiers: ClinVar variation 3222400 (VCV003222400.1), dbSNP rs2085205198, ClinGen allele CA382554352.